The following is an entry in ClinVar:

ClinVar aggregate classification (germline): Benign (1 of 4 stars; one submission).

Allele frequency attached by ClinVar (database versions not stated): gnomAD exomes 0.72520; gnomAD 0.72763 and 0.72985; TOPMed 0.73213; 1000 Genomes Project 0.75200; 1000 Genomes Project 30x 0.75281.
gnomAD v4.1: 586,760 of 808,310 alleles (73%); highest among the groups gnomAD compares: South Asian, 84%; 214,342 homozygotes.

Submission:

GeneDx
Classification: Benign. Last evaluated: 2018-06-19. Review status: criteria provided, single submitter. Criteria: GeneDx Variant Classification (06012015). Collection method: clinical testing. Allele origin: germline. Affected: yes.
Comment: This variant is considered likely benign or benign based on one or more of the following criteria: it is a conservative change, it occurs at a poorly conserved position in the protein, it is predicted to be benign by multiple in silico algorithms, and/or has population frequency not consistent with disease.

NM_022356.4(P3H1):c.1839-141A>G

Gene: P3H1 (prolyl 3-hydroxylase 1; minus strand). Cytogenetic location: 1p34.2.
Variant type: single nucleotide variant.
Coding change: c.1839-141A>G on transcript NM_022356.4 (MANE Select); 141 bases into the intron before coding-DNA position 1839, A replaced by G.
Molecular consequence: intron variant.
Genome position (GRCh38, 1-based): chr1:42,747,939, T>C on the plus strand (A>G on the coding strand, the complement: P3H1 is on the minus strand). VCF-style: chr1-42747939-T-C. GRCh37 (hg19) VCF-style: chr1-43213610-T-C.
Other names: c.1839-141A>G (NM_001146289.2, NM_001243246.2).
Identifiers: ClinVar variation 667664 (VCV000667664.1), dbSNP rs7552138, ClinGen allele CA10805884.